The following is an entry in ClinVar:

ClinVar aggregate classification (germline): Uncertain significance. Review status: criteria provided, multiple submitters, no conflicts (2 of 4 stars). 3 submissions from 3 submitters: Uncertain significance (3). Last evaluated 2023-10-03.

Conditions:
Hypogonadotropic hypogonadism 7 with or without anosmia (HH7). Also called: GNRHR-Related GnRH Deficiency; HYPOGONADOTROPIC HYPOGONADISM 7 WITHOUT ANOSMIA. Identifiers: Orphanet 432, MedGen C0342384, MONDO:0007794, OMIM 146110.
CHARGE syndrome (CHARGE). Also called: Coloboma, heart anomaly, choanal atresia, retardation, genital and ear anomalies; CHARGE association; Hall-Hittner syndrome; Hittner Hirsch Kreh syndrome; CHARGE ASSOCIATION--COLOBOMA, HEART ANOMALY, CHOANAL ATRESIA, RETARDATION, GENITAL AND EAR ANOMALIES. Identifiers: Orphanet 138, MedGen C0265354, MONDO:0008965.

Allele frequency attached by ClinVar (database versions not stated): gnomAD exomes below 0.00001; ExAC 0.00001; gnomAD 0.00001; TOPMed 0.00001.
gnomAD v4.1: 6 of 1,613,974 alleles (0.00037%); highest among the groups gnomAD compares: Middle Eastern, 0.033%; no homozygotes.

Submissions (3):

Labcorp Genetics (formerly Invitae), Labcorp
Classification: Uncertain significance for CHARGE syndrome. Last evaluated: 2023-10-03. Review status: criteria provided, single submitter. Criteria: Invitae Variant Classification Sherloc (09022015). Collection method: clinical testing. Allele origin: germline.
Comment: This sequence change replaces asparagine, which is neutral and polar, with lysine, which is basic and polar, at codon 432 of the SEMA3E protein (p.Asn432Lys). The frequency data for this variant in the population databases is considered unreliable, as metrics indicate poor data quality at this position in the gnomAD database. This variant has not been reported in the literature in individuals affected with SEMA3E-related conditions. ClinVar contains an entry for this variant (Variation ID: 1492915). Advanced modeling of protein sequence and biophysical properties (such as structural, functional, and spatial information, amino acid conservation, physicochemical variation, residue mobility, and thermodynamic stability) performed at Invitae indicates that this missense variant is not expected to disrupt SEMA3E protein function. In summary, the available evidence is currently insufficient to determine the role of this variant in disease. Therefore, it has been classified as a Variant of Uncertain Significance.

Ambry Genetics
Classification: Uncertain significance. Last evaluated: 2022-10-06. Review status: criteria provided, single submitter. Criteria: Ambry Variant Classification Scheme 2023. Collection method: clinical testing. Allele origin: germline.

Fulgent Genetics
Classification: Uncertain significance for Hypogonadotropic hypogonadism 7 with or without anosmia; CHD7-related CHARGE syndrome. Last evaluated: 2021-12-03. Review status: criteria provided, single submitter. Criteria: ACMG Guidelines, 2015. Collection method: clinical testing. Allele origin: unknown.

NM_012431.3(SEMA3E):c.1296C>A (p.Asn432Lys)

Gene: SEMA3E (semaphorin 3E; minus strand). Cytogenetic location: 7q21.11.
Variant type: single nucleotide variant.
Coding change: c.1296C>A on transcript NM_012431.3 (MANE Select); coding-DNA position 1296, C replaced by A.
Protein change: p.Asn432Lys; replaces asparagine 432 with lysine.
Molecular consequence: missense variant.
Genome position (GRCh38, 1-based): chr7:83,400,098, G>T on the plus strand (C>A on the coding strand, the complement: SEMA3E is on the minus strand). VCF-style: chr7-83400098-G-T. GRCh37 (hg19) VCF-style: chr7-83029414-G-T.
Other names: c.1296C>A (NM_012431.2); c.1116C>A, p.Asn372Lys (NM_001178129.2); short protein forms N432K, N372K.
Identifiers: ClinVar variation 1492915 (VCV001492915.10), dbSNP rs769637710, ClinGen allele CA4322073.